The following is an entry in ClinVar:

NM_001897.5(CSPG4):c.2200C>T (p.Arg734Trp)

Gene: CSPG4 (chondroitin sulfate proteoglycan 4; minus strand). Cytogenetic location: 15q24.2.
Variant type: single nucleotide variant.
Coding change: c.2200C>T on transcript NM_001897.5 (MANE Select); coding-DNA position 2200, C replaced by T.
Protein change: p.Arg734Trp; replaces arginine 734 with tryptophan.
Molecular consequence: missense variant.
Genome position (GRCh38, 1-based): chr15:75,688,865, G>A on the plus strand (C>T on the coding strand, the complement: CSPG4 is on the minus strand). VCF-style: chr15-75688865-G-A. GRCh37 (hg19) VCF-style: chr15-75981206-G-A.
Other names: short protein forms R734W.
Identifiers: ClinVar variation 3025525 (VCV003025525.22), dbSNP rs141088377, ClinGen allele CA7670406.

ClinVar aggregate classification (germline): Likely benign (1 of 4 stars; one submission).

Allele frequency attached by ClinVar (database versions not stated): 1000 Genomes Project 0.00020; 1000 Genomes Project 30x 0.00031; gnomAD 0.00048; TOPMed 0.00057; ExAC 0.00059; ESP Exome Variant Server 0.00092.
gnomAD v4.1: 675 of 1,612,356 alleles (0.042%); highest among the groups gnomAD compares: Non-Finnish European, 0.0083%; 3 homozygotes.

Submission:

CeGaT Center for Human Genetics Tuebingen
Classification: Likely benign. Last evaluated: 2024-03-01. Review status: criteria provided, single submitter. Criteria: CeGaT Center For Human Genetics Tuebingen Variant Classification Criteria Version 2. Collection method: clinical testing. Allele origin: germline. Affected: yes. Observed: 1 variant allele.
Comment: CSPG4: BP4